The following is an entry in ClinVar:

ClinVar aggregate classification (germline): Conflicting classifications of pathogenicity. Review status: criteria provided, conflicting classifications (1 of 4 stars). 4 submissions from 4 submitters: Uncertain significance (1); Likely benign (3). Last evaluated 2026-06-01.

Conditions:
Ellis-van Creveld syndrome (EVC). Also called: Chondroectodermal dysplasia; MESOECTODERMAL DYSPLASIA. Identifiers: Orphanet 289, MedGen C0013903, MONDO:0009162, OMIM 225500.
Curry-Hall syndrome (WAD). Also called: WEYERS ACRODENTAL DYSOSTOSIS. Identifiers: Orphanet 952, MedGen C0457013, MONDO:0008673, OMIM 193530.

Allele frequency attached by ClinVar (database versions not stated): gnomAD exomes 0.00003 and 0.00008; ExAC 0.00007; 1000 Genomes Project 30x 0.00016; 1000 Genomes Project 0.00020; gnomAD 0.00027 and 0.00030; TOPMed 0.00034; ESP Exome Variant Server 0.00046.
gnomAD v4.1: 91 of 1,614,092 alleles (0.0056%); highest among the groups gnomAD compares: African/African-American, 0.11%; no homozygotes.

Submissions (4):

CeGaT Center for Human Genetics Tuebingen
Classification: Likely benign. Last evaluated: 2026-06-01. Review status: criteria provided, single submitter. Criteria: CeGaT Center For Human Genetics Tuebingen Variant Classification Criteria Version 2. Collection method: clinical testing. Allele origin: germline. Affected: yes. Observed: 2 variant alleles.
Comment: EVC2: BP4, BP7

Labcorp Genetics (formerly Invitae), Labcorp
Classification: Likely benign for Curry-Hall syndrome; Ellis-van Creveld syndrome. Last evaluated: 2026-01-31. Review status: criteria provided, single submitter. Criteria: Invitae Variant Classification Sherloc (09022015). Collection method: clinical testing. Allele origin: germline.

GeneDx
Classification: Likely benign. Last evaluated: 2020-05-26. Review status: criteria provided, single submitter. Criteria: GeneDx Variant Classification Process June 2021. Collection method: clinical testing. Allele origin: germline. Affected: yes.

Eurofins Ntd Llc (ga)
Classification: Uncertain significance. Last evaluated: 2017-07-20. Review status: criteria provided, single submitter. Criteria: EGL Classification Definitions 2015. Collection method: clinical testing. Allele origin: germline. Observed: 1 variant allele, 1 heterozygote.

NM_147127.5(EVC2):c.2304G>C (p.Val768=)

Gene: EVC2 (EvC ciliary complex subunit 2; minus strand). Cytogenetic location: 4p16.2.
Variant type: single nucleotide variant.
Coding change: c.2304G>C on transcript NM_147127.5 (MANE Select); coding-DNA position 2304, G replaced by C.
Protein change: p.Val768=; no amino-acid change (valine 768 retained).
Molecular consequence: synonymous variant.
Genome position (GRCh38, 1-based): chr4:5,622,734, C>G on the plus strand (G>C on the coding strand, the complement: EVC2 is on the minus strand). VCF-style: chr4-5622734-C-G. GRCh37 (hg19) VCF-style: chr4-5624461-C-G.
Other names: c.2064G>C, p.Val688= (NM_001166136.2).
Identifiers: ClinVar variation 593087 (VCV000593087.24), dbSNP rs139936564, ClinGen allele CA2834755.
Genomic context (GRCh38, chr4:5,622,734, plus strand): 5'-GGCCCGTGCAGCCATCTCCTTGCCGTGCTCCTCCAGGATCTGCTGCAGGAAGAGCCAGGG[C>G]ACCCCACGCTTGAGCAGCTCCTGGGTCATGGCTGAGTTCTGCAGGCGCCGCAGCTCGTCG-3'
Protein context (NP_667338.3, residues 758-778): AMTQELLKRG[Val768=]PWLFLQQILE